The following is an entry in ClinVar:

NM_004370.6(COL12A1):c.8119G>T (p.Asp2707Tyr)

Gene: COL12A1 (collagen type XII alpha 1 chain; minus strand). Cytogenetic location: 6q13.
Variant type: single nucleotide variant.
Coding change: c.8119G>T on transcript NM_004370.6 (MANE Select); coding-DNA position 8119, G replaced by T.
Protein change: p.Asp2707Tyr; replaces aspartic acid 2707 with tyrosine.
Molecular consequence: missense variant.
Genome position (GRCh38, 1-based): chr6:75,106,478, C>A on the plus strand (G>T on the coding strand, the complement: COL12A1 is on the minus strand). VCF-style: chr6-75106478-C-A. GRCh37 (hg19) VCF-style: chr6-75816194-C-A.
Other names: c.4627G>T, p.Asp1543Tyr (NM_080645.3); short protein forms D2707Y, D1543Y.
Identifiers: ClinVar variation 851958 (VCV000851958.10), dbSNP rs1768551206, ClinGen allele CA364741389.

ClinVar aggregate classification (germline): Uncertain significance (1 of 4 stars; one submission).

Conditions:
Ullrich congenital muscular dystrophy 2 (UCMD2). Identifiers: Orphanet 75840, MedGen C4225314, MONDO:0014654, OMIM 616470.
Bethlem myopathy 2 (BTHLM2). Identifiers: Orphanet 536516, Orphanet 610, MedGen C4225313, MONDO:0034022, OMIM 616471.

Submission:

Labcorp Genetics (formerly Invitae), Labcorp
Classification: Uncertain significance for Bethlem myopathy 2; Ullrich congenital muscular dystrophy 2. Last evaluated: 2022-06-03. Review status: criteria provided, single submitter. Criteria: Invitae Variant Classification Sherloc (09022015). Collection method: clinical testing. Allele origin: germline.
Comment: This sequence change replaces aspartic acid, which is acidic and polar, with tyrosine, which is neutral and polar, at codon 2707 of the COL12A1 protein (p.Asp2707Tyr). This variant is not present in population databases (gnomAD no frequency). This variant has not been reported in the literature in individuals affected with COL12A1-related conditions. ClinVar contains an entry for this variant (Variation ID: 851958). Algorithms developed to predict the effect of missense changes on protein structure and function (SIFT, PolyPhen-2, Align-GVGD) all suggest that this variant is likely to be disruptive. In summary, the available evidence is currently insufficient to determine the role of this variant in disease. Therefore, it has been classified as a Variant of Uncertain Significance.